The following is an entry in ClinVar:

ClinVar aggregate classification (germline): Conflicting classifications of pathogenicity. Review status: criteria provided, conflicting classifications (1 of 4 stars). 2 submissions from 2 submitters: Uncertain significance (1); Likely benign (1). Last evaluated 2025-04-03.

Conditions:
Inborn genetic diseases. Identifiers: MedGen C0950123, MeSH D030342.

Allele frequency attached by ClinVar (database versions not stated): gnomAD 0.00001; TOPMed 0.00001; ExAC 0.00002; gnomAD exomes 0.00003; ESP Exome Variant Server 0.00008.
gnomAD v4.1: 49 of 1,613,972 alleles (0.003%); highest among the groups gnomAD compares: Middle Eastern, 0.033%; no homozygotes.

Submissions (2):

Ambry Genetics
Classification: Uncertain significance for Inborn genetic diseases. Last evaluated: 2025-04-03. Review status: criteria provided, single submitter. Criteria: Ambry Variant Classification Scheme 2023. Collection method: clinical testing. Allele origin: germline.

CeGaT Center for Human Genetics Tuebingen
Classification: Likely benign. Last evaluated: 2022-10-01. Review status: criteria provided, single submitter. Criteria: CeGaT Center For Human Genetics Tuebingen Variant Classification Criteria Version 2. Collection method: clinical testing. Allele origin: germline. Affected: yes. Observed: 1 variant allele.
Comment: SPEN: BP4

NM_015001.3(SPEN):c.5364C>A (p.Asn1788Lys)

Gene: SPEN (spen family transcriptional repressor; plus strand). Cytogenetic location: 1p36.13.
Variant type: single nucleotide variant.
Coding change: c.5364C>A on transcript NM_015001.3 (MANE Select); coding-DNA position 5364, C replaced by A.
Protein change: p.Asn1788Lys; replaces asparagine 1788 with lysine.
Molecular consequence: missense variant.
Genome position (GRCh38, 1-based): chr1:15,931,604, C>A. VCF-style: chr1-15931604-C-A. GRCh37 (hg19) VCF-style: chr1-16258099-C-A.
Other names: c.5364C>A (NM_015001.2); short protein forms N1788K.
Identifiers: ClinVar variation 2638321 (VCV002638321.24), dbSNP rs368139168, ClinGen allele CA619716.